The following is an entry in ClinVar:

ClinVar aggregate classification (germline): Pathogenic (1 of 4 stars; one submission).

Submission:

Labcorp Genetics (formerly Invitae), Labcorp
Classification: Pathogenic. Last evaluated: 2024-03-16. Review status: criteria provided, single submitter. Criteria: Invitae Variant Classification Sherloc (09022015). Collection method: clinical testing. Allele origin: germline.
Comment: This sequence change creates a premature translational stop signal (p.Trp768*) in the MSH3 gene. It is expected to result in an absent or disrupted protein product. Loss-of-function variants in MSH3 are known to be pathogenic (PMID: 27476653, 37402566). This variant is not present in population databases (gnomAD no frequency). This variant has not been reported in the literature in individuals affected with MSH3-related conditions. For these reasons, this variant has been classified as Pathogenic.

Literature cited by the submitters: PubMed 27476653; PubMed 37402566.

NM_002439.5(MSH3):c.2304G>A (p.Trp768Ter)

Gene: MSH3 (mutS homolog 3; plus strand). Cytogenetic location: 5q14.1.
Variant type: single nucleotide variant.
Coding change: c.2304G>A on transcript NM_002439.5 (MANE Select); coding-DNA position 2304, G replaced by A.
Protein change: p.Trp768Ter; replaces tryptophan 768 with a stop codon.
Molecular consequence: nonsense.
Genome position (GRCh38, 1-based): chr5:80,775,744, G>A. VCF-style: chr5-80775744-G-A. GRCh37 (hg19) VCF-style: chr5-80071563-G-A.
Other names: short protein forms W768*.
Identifiers: ClinVar variation 2766625 (VCV002766625.3), dbSNP rs2112890201, ClinGen allele CA360280939.